The following is an entry in ClinVar:

NM_000350.3(ABCA4):c.4926C>A (p.Ser1642Arg)

Genes: ABCA4 (ATP binding cassette subfamily A member 4; minus strand), LOC126805793 (CDK7 strongly-dependent group 2 enhancer GRCh37_chr1:94486302-94487501; plus strand). Cytogenetic location: 1p22.1.
Variant type: single nucleotide variant.
Coding change: c.4926C>A on transcript NM_000350.3 (MANE Select); coding-DNA position 4926, C replaced by A.
Protein change: p.Ser1642Arg; replaces serine 1642 with arginine.
Molecular consequence: missense variant.
Genome position (GRCh38, 1-based): chr1:94,021,332, G>T on the plus strand (C>A on the coding strand, the complement: ABCA4 is on the minus strand). VCF-style: chr1-94021332-G-T. GRCh37 (hg19) VCF-style: chr1-94486888-G-T.
Other names: c.4704C>A, p.Ser1568Arg (NM_001425324.1); short protein forms S1642R, S1568R.
Identifiers: ClinVar variation 1013244 (VCV001013244.41), dbSNP rs61753017, ClinGen allele CA341283078.

ClinVar aggregate classification (germline): Pathogenic/Likely pathogenic. Review status: criteria provided, multiple submitters, no conflicts (2 of 4 stars). 2 submissions from 2 submitters: Pathogenic (1); Likely pathogenic (1). Last evaluated 2023-07-08.

gnomAD v4.1: 2 of 1,614,196 alleles (0.00012%); highest among the groups gnomAD compares: Non-Finnish European, 0.00017%; no homozygotes.

Submissions (2):

Labcorp Genetics (formerly Invitae), Labcorp
Classification: Pathogenic. Last evaluated: 2023-07-08. Review status: criteria provided, single submitter. Criteria: Invitae Variant Classification Sherloc (09022015). Collection method: clinical testing. Allele origin: germline.
Comment: For these reasons, this variant has been classified as Pathogenic. Advanced modeling of protein sequence and biophysical properties (such as structural, functional, and spatial information, amino acid conservation, physicochemical variation, residue mobility, and thermodynamic stability) performed at Invitae indicates that this missense variant is not expected to disrupt ABCA4 protein function. ClinVar contains an entry for this variant (Variation ID: 1013244). This missense change has been observed in individual(s) with autosomal recessive Stargardt disease, commonly in cis with the pathogenic variant c.5044_5058del (p.Val1682_Val1686del). This variant has also been observed without p.Val1682_Val1686del in individuals with autosomal recessive Stargardt disease, and the evidence is sufficient to classify p.Ser1642Arg as Pathogenic in isolation, whether or not p.Val1682_Val1686del is present (PMID: 16917483, 19365591, 29114839, 29186038, 30060493, 30718709). In at least one individual the data is consistent with being in trans (on the opposite chromosome) from a pathogenic variant. This variant is not present in population databases (gnomAD no frequency). This sequence change replaces serine, which is neutral and polar, with arginine, which is basic and polar, at codon 1642 of the ABCA4 protein (p.Ser1642Arg).

CeGaT Center for Human Genetics Tuebingen
Classification: Likely pathogenic. Last evaluated: 2020-08-01. Review status: criteria provided, single submitter. Criteria: CeGaT Center For Human Genetics Tuebingen Variant Classification Criteria Version 2. Collection method: clinical testing. Allele origin: germline. Affected: yes. Observed: 1 variant allele.

Literature cited by the submitters: PubMed 16917483 (cited by Labcorp Genetics (formerly Invitae), Labcorp); PubMed 19365591 (cited by Labcorp Genetics (formerly Invitae), Labcorp); PubMed 29114839 (cited by Labcorp Genetics (formerly Invitae), Labcorp); PubMed 29186038 (cited by Labcorp Genetics (formerly Invitae), Labcorp); PubMed 30060493 (cited by Labcorp Genetics (formerly Invitae), Labcorp); PubMed 30718709 (cited by Labcorp Genetics (formerly Invitae), Labcorp).